The following is an entry in ClinVar:

NM_031885.5(BBS2):c.1215C>T (p.Ser405=)

Gene: BBS2 (Bardet-Biedl syndrome 2; minus strand). Cytogenetic location: 16q13.
Variant type: single nucleotide variant.
Coding change: c.1215C>T on transcript NM_031885.5 (MANE Select); coding-DNA position 1215, C replaced by T.
Protein change: p.Ser405=; no amino-acid change (serine 405 retained).
Molecular consequence: synonymous variant. On other transcripts: non-coding transcript variant (5).
Genome position (GRCh38, 1-based): chr16:56,501,363, G>A on the plus strand (C>T on the coding strand, the complement: BBS2 is on the minus strand). VCF-style: chr16-56501363-G-A. GRCh37 (hg19) VCF-style: chr16-56535275-G-A.
Other names: c.1215C>T, p.Ser405= (NM_001377456.1).
Identifiers: ClinVar variation 704810 (VCV000704810.10), dbSNP rs768053787, ClinGen allele CA8065806.
Genomic context (GRCh38, chr16:56,501,363, plus strand): 5'-TCCAAGATGGCACAGGTGCCTCTAAATACCAGCTGTGAGTACTGTCTTACCATTAGAAGT[G>A]GAAATGCGTAATTCTGTATGAGCAGTTTGGGTCTCATTCCCCAGGCTGACTGAGAGCGTG-3'
Protein context (NP_114091.4, residues 395-415): TQTAHTELRI[Ser405=]TSNDTIIRAV

ClinVar aggregate classification (germline): Likely benign. Review status: criteria provided, multiple submitters, no conflicts (2 of 4 stars). 2 submissions from 2 submitters: Likely benign (2). Last evaluated 2026-01-12.

Conditions:
BBS2-related disorder. Also called: BBS2-related disorders; BBS2-related condition. Identifiers: MedGen CN239228.
Bardet-Biedl syndrome (BBS). Identifiers: Orphanet 110, MedGen C0752166, MONDO:0015229.

Allele frequency attached by ClinVar (database versions not stated): gnomAD exomes below 0.00001; ExAC 0.00001; TOPMed 0.00006; gnomAD 0.00007 and 0.00008.
gnomAD v4.1: 12 of 1,613,906 alleles (0.00074%); highest among the groups gnomAD compares: Admixed American, 0.015%; no homozygotes.

Submissions (2):

PreventionGenetics, part of Exact Sciences
Classification: Likely benign for BBS2-related condition. Last evaluated: 2026-01-12. Review status: criteria provided, single submitter. Criteria: ACMG Guidelines, 2015. Collection method: clinical testing. Allele origin: germline.
Comment: This variant is classified as likely benign based on ACMG/AMP sequence variant interpretation guidelines (Richards et al. 2015 PMID: 25741868, with internal and published modifications).

Labcorp Genetics (formerly Invitae), Labcorp
Classification: Likely benign for Bardet-Biedl syndrome. Last evaluated: 2023-11-04. Review status: criteria provided, single submitter. Criteria: Invitae Variant Classification Sherloc (09022015). Collection method: clinical testing. Allele origin: germline.